The following is an entry in ClinVar:

ClinVar aggregate classification (germline): Uncertain significance. Review status: criteria provided, multiple submitters, no conflicts (2 of 4 stars). 4 submissions from 4 submitters: Uncertain significance (4). Last evaluated 2025-11-19.

Conditions:
Pitt-Hopkins-like syndrome 2 (PTHSL2). Identifiers: Orphanet 221150, Orphanet 600663, MedGen C3280479, MONDO:0013690, OMIM 614325.

Allele frequency attached by ClinVar (database versions not stated): gnomAD 0.00001; gnomAD exomes 0.00001 and 0.00002; ExAC 0.00002.
gnomAD v4.1: 14 of 1,613,384 alleles (0.00087%); highest among the groups gnomAD compares: Middle Eastern, 0.016%; no homozygotes.

Submissions (4):

GeneDx
Classification: Uncertain significance. Last evaluated: 2025-11-19. Review status: criteria provided, single submitter. Criteria: GeneDx Variant Classification Process June 2021. Collection method: clinical testing. Allele origin: germline. Affected: yes.
Comment: In silico analysis supports that this missense variant has a deleterious effect on protein structure/function; Missense variant in a gene in which most reported pathogenic variants are truncating/loss-of-function; Has not been previously published as pathogenic or benign to our knowledge

Labcorp Genetics (formerly Invitae), Labcorp
Classification: Uncertain significance for Pitt-Hopkins-like syndrome 2. Last evaluated: 2024-07-11. Review status: criteria provided, single submitter. Criteria: Invitae Variant Classification Sherloc (09022015). Collection method: clinical testing. Allele origin: germline.
Comment: This sequence change replaces arginine, which is basic and polar, with histidine, which is basic and polar, at codon 790 of the NRXN1 protein (p.Arg790His). This variant is present in population databases (rs200776618, gnomAD 0.007%). This variant has not been reported in the literature in individuals affected with NRXN1-related conditions. ClinVar contains an entry for this variant (Variation ID: 283768). An algorithm developed to predict the effect of missense changes on protein structure and function (PolyPhen-2) suggests that this variant is likely to be disruptive. In summary, the available evidence is currently insufficient to determine the role of this variant in disease. Therefore, it has been classified as a Variant of Uncertain Significance.

Daryl Scott Lab, Baylor College of Medicine
Classification: Uncertain significance for Pitt-Hopkins-like syndrome 2. Last evaluated: 2023-11-10. Review status: criteria provided, single submitter. Criteria: ACMG Guidelines, 2015. Collection method: clinical testing. Allele origin: de novo.

Eurofins Ntd Llc (ga)
Classification: Uncertain significance. Last evaluated: 2015-10-02. Review status: criteria provided, single submitter. Criteria: EGL Classification Definitions 2015. Collection method: clinical testing. Allele origin: germline. Observed: 1 variant allele, 1 heterozygote.

NM_001330078.2(NRXN1):c.2249G>A (p.Arg750His)

Gene: NRXN1 (neurexin 1; minus strand). Cytogenetic location: 2p16.3.
Variant type: single nucleotide variant.
Coding change: c.2249G>A on transcript NM_001330078.2 (MANE Select); coding-DNA position 2249, G replaced by A.
Protein change: p.Arg750His; replaces arginine 750 with histidine.
Molecular consequence: missense variant.
Genome position (GRCh38, 1-based): chr2:50,531,325, C>T on the plus strand (G>A on the coding strand, the complement: NRXN1 is on the minus strand). VCF-style: chr2-50531325-C-T. GRCh37 (hg19) VCF-style: chr2-50758463-C-T.
Other names: c.2369G>A, p.Arg790His (NM_001135659.3); c.2225G>A, p.Arg742His (NM_001330077.2, NM_001330082.2, NM_001330095.2); c.2210G>A, p.Arg737His (NM_001330083.2, NM_001330084.2); c.2249G>A, p.Arg750His (NM_001330085.2, NM_001330086.2, NM_004801.6); c.2165G>A, p.Arg722His (NM_001330087.2, NM_001330096.2); c.2195G>A, p.Arg732His (NM_001330088.2); c.2246G>A, p.Arg749His (NM_001330093.2); c.2237G>A, p.Arg746His (NM_001330094.2); short protein forms R790H, R732H, R746H, R749H, R750H, R722H, R737H, R742H.
Identifiers: ClinVar variation 283768 (VCV000283768.16), dbSNP rs200776618, ClinGen allele CA1654883.